The following is an entry in ClinVar:

NM_006118.4(HAX1):c.770G>A (p.Arg257Lys)

Gene: HAX1 (HCLS1 associated protein X-1; plus strand). Cytogenetic location: 1q21.3.
Variant type: single nucleotide variant.
Coding change: c.770G>A on transcript NM_006118.4 (MANE Select); coding-DNA position 770, G replaced by A.
Protein change: p.Arg257Lys; replaces arginine 257 with lysine.
Molecular consequence: missense variant.
Genome position (GRCh38, 1-based): chr1:154,275,631, G>A. VCF-style: chr1-154275631-G-A. GRCh37 (hg19) VCF-style: chr1-154248107-G-A.
Other names: c.626G>A, p.Arg209Lys (NM_001018837.2); short protein forms R209K, R257K.
Identifiers: ClinVar variation 4858289 (VCV004858289.1).

ClinVar aggregate classification (germline): Uncertain significance (1 of 4 stars; one submission).

Conditions:
Inborn genetic diseases. Identifiers: MedGen C0950123, MeSH D030342.

Submission:

Ambry Genetics
Classification: Uncertain significance for Inborn genetic diseases. Last evaluated: 2026-06-08. Review status: criteria provided, single submitter. Criteria: Ambry Variant Classification Scheme 2023. Collection method: clinical testing. Allele origin: germline.
Comment: The p.R257K variant (also known as c.770G>A), located in coding exon 7 of the HAX1 gene, results from a G to A substitution at nucleotide position 770. The arginine at codon 257 is replaced by lysine, an amino acid with highly similar properties. This amino acid position is conserved. In addition, this alteration is predicted to be tolerated by in silico analysis. Based on the available evidence, the clinical significance of this variant remains unclear.